The following is an entry in ClinVar:

NM_000312.4(PROC):c.452G>T (p.Cys151Phe)

Gene: PROC (protein C, inactivator of coagulation factors Va and VIIIa; plus strand). Cytogenetic location: 2q14.3.
Variant type: single nucleotide variant.
Coding change: c.452G>T on transcript NM_000312.4 (MANE Select); coding-DNA position 452, G replaced by T.
Protein change: p.Cys151Phe; replaces cysteine 151 with phenylalanine.
Molecular consequence: missense variant. On other transcripts: intron variant (1).
Genome position (GRCh38, 1-based): chr2:127,423,325, G>T. VCF-style: chr2-127423325-G-T. GRCh37 (hg19) VCF-style: chr2-128180901-G-T.
Other names: c.635G>T, p.Cys212Phe (NM_001375602.1); c.620G>T, p.Cys207Phe (NM_001375606.1); c.638G>T, p.Cys213Phe (NM_001375607.1); c.428G>T, p.Cys143Phe (NM_001375609.1); c.617G>T, p.Cys206Phe (NM_001375603.1); c.515G>T, p.Cys172Phe (NM_001375604.1); c.554G>T, p.Cys185Phe (NM_001375605.1); c.446G>T, p.Cys149Phe (NM_001375610.1); and 2 more; short protein forms C185F, C207F, C151F, C213F, C172F, C206F, C143F, C149F.
Identifiers: ClinVar variation 2893446 (VCV002893446.3), dbSNP rs2468339699, ClinGen allele CA348399871.

ClinVar aggregate classification (germline): Uncertain significance (1 of 4 stars; one submission).

Conditions:
Thrombophilia due to protein C deficiency, autosomal dominant. Also called: PROC DEFICIENCY, AUTOSOMAL DOMINANT; PROTEIN C DEFICIENCY, AUTOSOMAL DOMINANT. Identifiers: Orphanet 745, MedGen C2674321, MONDO:0008316, OMIM 176860. Disease mechanism: loss of function.

Allele frequency attached by ClinVar (database versions not stated): gnomAD exomes below 0.00001.
gnomAD v4.1: 1 of 1,550,276 alleles (0.000065%); highest among the groups gnomAD compares: Non-Finnish European, 0.000087%; no homozygotes.

Submission:

Labcorp Genetics (formerly Invitae), Labcorp
Classification: Uncertain significance for Thrombophilia due to protein C deficiency, autosomal dominant. Last evaluated: 2023-02-04. Review status: criteria provided, single submitter. Criteria: Invitae Variant Classification Sherloc (09022015). Collection method: clinical testing. Allele origin: germline.
Comment: In summary, the available evidence is currently insufficient to determine the role of this variant in disease. Therefore, it has been classified as a Variant of Uncertain Significance. Advanced modeling of protein sequence and biophysical properties (such as structural, functional, and spatial information, amino acid conservation, physicochemical variation, residue mobility, and thermodynamic stability) has been performed at Invitae for this missense variant, however the output from this modeling did not meet the statistical confidence thresholds required to predict the impact of this variant on PROC protein function. This variant has not been reported in the literature in individuals affected with PROC-related conditions. This variant is not present in population databases (gnomAD no frequency). This sequence change replaces cysteine, which is neutral and slightly polar, with phenylalanine, which is neutral and non-polar, at codon 151 of the PROC protein (p.Cys151Phe).